The following is an entry in ClinVar:

ClinVar aggregate classification (germline): Uncertain significance (1 of 4 stars; one submission).

Conditions:
Pheochromocytoma/paraganglioma syndrome 5. Also called: Paragangliomas 5; SDHA-Related Hereditary Paraganglioma-Pheochromocytoma Syndrome. Identifiers: Orphanet 29072, MedGen C3279992, MONDO:0013602, OMIM 614165.
Mitochondrial complex II deficiency, nuclear type 1. Also called: SUCCINATE CoQ REDUCTASE DEFICIENCY. Identifiers: Orphanet 3208, MedGen C5700310, MONDO:0100294, OMIM 252011.

Submission:

Labcorp Genetics (formerly Invitae), Labcorp
Classification: Uncertain significance for Pheochromocytoma/paraganglioma syndrome 5; Mitochondrial complex II deficiency, nuclear type 1. Last evaluated: 2024-05-20. Review status: criteria provided, single submitter. Criteria: Invitae Variant Classification Sherloc (09022015). Collection method: clinical testing. Allele origin: germline.
Comment: This sequence change replaces valine, which is neutral and non-polar, with leucine, which is neutral and non-polar, at codon 217 of the SDHA protein (p.Val217Leu). This variant is not present in population databases (gnomAD no frequency). This variant has not been reported in the literature in individuals affected with SDHA-related conditions. ClinVar contains an entry for this variant (Variation ID: 837700). Advanced modeling of protein sequence and biophysical properties (such as structural, functional, and spatial information, amino acid conservation, physicochemical variation, residue mobility, and thermodynamic stability) performed at Invitae indicates that this missense variant is not expected to disrupt SDHA protein function with a negative predictive value of 95%. In summary, the available evidence is currently insufficient to determine the role of this variant in disease. Therefore, it has been classified as a Variant of Uncertain Significance.

NM_004168.4(SDHA):c.649G>C (p.Val217Leu)

Gene: SDHA (succinate dehydrogenase complex flavoprotein subunit A; plus strand). Cytogenetic location: 5p15.33.
Variant type: single nucleotide variant.
Coding change: c.649G>C on transcript NM_004168.4 (MANE Select); coding-DNA position 649, G replaced by C.
Protein change: p.Val217Leu; replaces valine 217 with leucine.
Molecular consequence: missense variant.
Genome position (GRCh38, 1-based): chr5:228,212, G>C. VCF-style: chr5-228212-G-C. GRCh37 (hg19) VCF-style: chr5-228327-G-C.
Other names: c.505G>C, p.Val169Leu (NM_001294332.2); c.649G>C, p.Val217Leu (NM_001330758.2); short protein forms V169L, V217L.
Identifiers: ClinVar variation 837700 (VCV000837700.10), dbSNP rs1735163272, ClinGen allele CA359010853.